The following is an entry in ClinVar:

ClinVar aggregate classification (germline): Likely benign (1 of 4 stars; one submission).

gnomAD v4.1: 25 of 1,609,852 alleles (0.0016%); highest among the groups gnomAD compares: Non-Finnish European, 0.0017%; no homozygotes.

Submission:

CeGaT Center for Human Genetics Tuebingen
Classification: Likely benign. Last evaluated: 2026-03-01. Review status: criteria provided, single submitter. Criteria: CeGaT Center For Human Genetics Tuebingen Variant Classification Criteria Version 2. Collection method: clinical testing. Allele origin: germline. Affected: yes. Observed: 1 variant allele.
Comment: CDC42BPB: BP4

NM_006035.4(CDC42BPB):c.3818T>C (p.Val1273Ala)

Gene: CDC42BPB (CDC42 binding protein kinase beta; minus strand). Cytogenetic location: 14q32.32.
Variant type: single nucleotide variant.
Coding change: c.3818T>C on transcript NM_006035.4 (MANE Select); coding-DNA position 3818, T replaced by C.
Protein change: p.Val1273Ala; replaces valine 1273 with alanine.
Molecular consequence: missense variant.
Genome position (GRCh38, 1-based): chr14:102,944,481, A>G on the plus strand (T>C on the coding strand, the complement: CDC42BPB is on the minus strand). VCF-style: chr14-102944481-A-G. GRCh37 (hg19) VCF-style: chr14-103410818-A-G.
Other names: c.3740T>C, p.Val1247Ala (NM_001411054.1); short protein forms V1247A, V1273A.
Identifiers: ClinVar variation 4822054 (VCV004822054.4).
Genomic context (GRCh38, chr14:102,944,481, plus strand): 5'-ACGATCTTCTCCCTGGGAGCAAGCTCGATCTGGTGTACCTTCTTACAGTCAGCGGCACGG[A>G]CGATCACTGTGGCAAGGAGGACAAGAGCGTGAGGCCGACGGGACAGCCAGCAGCTCCCAG-3'
Protein context (NP_006026.3, residues 1263-1283): YVIEVTRDVI[Val1273Ala]RAADCKKVHQ